The following is an entry in ClinVar:

ClinVar aggregate classification (germline): Uncertain significance. Review status: criteria provided, multiple submitters, no conflicts (2 of 4 stars). 2 submissions from 2 submitters: Uncertain significance (2). Last evaluated 2025-01-08.

Conditions:
Inborn genetic diseases. Identifiers: MedGen C0950123, MeSH D030342.

Allele frequency attached by ClinVar (database versions not stated): ExAC 0.00001.
gnomAD v4.1: 10 of 1,614,072 alleles (0.00062%); highest among the groups gnomAD compares: East Asian, 0.022%; no homozygotes.

Submissions (2):

Ambry Genetics
Classification: Uncertain significance for Inborn genetic diseases. Last evaluated: 2025-01-08. Review status: criteria provided, single submitter. Criteria: Ambry Variant Classification Scheme 2023. Collection method: clinical testing. Allele origin: germline.
Comment: The p.P132A variant (also known as c.394C>G), located in coding exon 4 of the ETV6 gene, results from a C to G substitution at nucleotide position 394. The proline at codon 132 is replaced by alanine, an amino acid with highly similar properties. This amino acid position is highly conserved in available vertebrate species. In addition, this alteration is predicted to be tolerated by in silico analysis. Based on the available evidence, the clinical significance of this variant remains unclear.

Labcorp Genetics (formerly Invitae), Labcorp
Classification: Uncertain significance. Last evaluated: 2023-08-04. Review status: criteria provided, single submitter. Criteria: Invitae Variant Classification Sherloc (09022015). Collection method: clinical testing. Allele origin: germline.
Comment: This variant has not been reported in the literature in individuals affected with ETV6-related conditions. In summary, the available evidence is currently insufficient to determine the role of this variant in disease. Therefore, it has been classified as a Variant of Uncertain Significance. Advanced modeling of protein sequence and biophysical properties (such as structural, functional, and spatial information, amino acid conservation, physicochemical variation, residue mobility, and thermodynamic stability) performed at Invitae indicates that this missense variant is not expected to disrupt ETV6 protein function. This variant is present in population databases (rs769171614, gnomAD 0.01%). This sequence change replaces proline, which is neutral and non-polar, with alanine, which is neutral and non-polar, at codon 132 of the ETV6 protein (p.Pro132Ala).

NM_001987.5(ETV6):c.394C>G (p.Pro132Ala)

Gene: ETV6 (ETS variant transcription factor 6; plus strand). Cytogenetic location: 12p13.2.
Variant type: single nucleotide variant.
Coding change: c.394C>G on transcript NM_001987.5 (MANE Select); coding-DNA position 394, C replaced by G.
Protein change: p.Pro132Ala; replaces proline 132 with alanine.
Molecular consequence: missense variant.
Genome position (GRCh38, 1-based): chr12:11,853,492, C>G. VCF-style: chr12-11853492-C-G. GRCh37 (hg19) VCF-style: chr12-12006426-C-G.
Other names: c.391C>G, p.Pro131Ala (NM_001413913.1); c.367C>G, p.Pro123Ala (NM_001413914.1); c.130C>G, p.Pro44Ala (NM_001413915.1); c.394C>G, p.Pro132Ala (NM_001413916.1, NM_001413917.1); short protein forms P132A, P131A, P44A, P123A.
Identifiers: ClinVar variation 2966504 (VCV002966504.4), dbSNP rs769171614, ClinGen allele CA6454229.
Genomic context (GRCh38, chr12:11,853,492, plus strand): 5'-GTGCTCTATGAACTCCTTCAGCATATTCTGAAGCAGAGGAAACCTCGGATTCTTTTTTCA[C>G]CATTCTTCCACCCTGGAAACTCTATACACACACAGCCGGAGGTCATACTGCATCAGAACC-3'
Protein context (NP_001978.1, residues 122-142): KQRKPRILFS[Pro132Ala]FFHPGNSIHT